The following is an entry in ClinVar:

ClinVar aggregate classification (germline): Uncertain significance (1 of 4 stars; one submission).

gnomAD v4.1: 57 of 1,613,596 alleles (0.0035%); highest among the groups gnomAD compares: Non-Finnish European, 0.0048%; no homozygotes.

Submission:

GeneDx
Classification: Uncertain significance. Last evaluated: 2024-11-14. Review status: criteria provided, single submitter. Criteria: GeneDx Variant Classification Process June 2021. Collection method: clinical testing. Allele origin: germline. Affected: yes.
Comment: Not observed at significant frequency in large population cohorts (gnomAD); In silico analysis indicates that this missense variant does not alter protein structure/function; Has not been previously published as pathogenic or benign to our knowledge

NM_015354.3(NUP188):c.4027C>A (p.Leu1343Met)

Gene: NUP188 (nucleoporin 188; plus strand). Cytogenetic location: 9q34.11.
Variant type: single nucleotide variant.
Coding change: c.4027C>A on transcript NM_015354.3 (MANE Select); coding-DNA position 4027, C replaced by A.
Protein change: p.Leu1343Met; replaces leucine 1343 with methionine.
Molecular consequence: missense variant.
Genome position (GRCh38, 1-based): chr9:129,001,712, C>A. VCF-style: chr9-129001712-C-A. GRCh37 (hg19) VCF-style: chr9-131763991-C-A.
Other names: short protein forms L1343M.
Identifiers: ClinVar variation 3899664 (VCV003899664.1).
Genomic context (GRCh38, chr9:129,001,712, plus strand): 5'-AGCCTTCGCATGAAGCAGAACCTGCATTTCACTGAGGCCACATTGCATCTGCTCCTCACC[C>A]TGGCTCGCACTCAGCAGGTAGGAGGCCAGCCCGAAGGCAGGAGGGAGCGTCCTTGCTTGC-3'
Protein context (NP_056169.1, residues 1333-1353): TEATLHLLLT[Leu1343Met]ARTQQGATAV